The following is an entry in ClinVar:

NM_000701.8(ATP1A1):c.339G>C (p.Leu113Phe)

Gene: ATP1A1 (ATPase Na+/K+ transporting subunit alpha 1; plus strand). Cytogenetic location: 1p13.1.
Variant type: single nucleotide variant.
Coding change: c.339G>C on transcript NM_000701.8 (MANE Select); coding-DNA position 339, G replaced by C.
Protein change: p.Leu113Phe; replaces leucine 113 with phenylalanine.
Molecular consequence: missense variant.
Genome position (GRCh38, 1-based): chr1:116,387,443, G>C. VCF-style: chr1-116387443-G-C. GRCh37 (hg19) VCF-style: chr1-116930065-G-C.
Other names: c.339G>C (NM_001160233.1); c.339G>C, p.Leu113Phe (NM_001160233.2); c.246G>C, p.Leu82Phe (NM_001160234.2); short protein forms L82F, L113F.
Identifiers: ClinVar variation 2192860 (VCV002192860.5), dbSNP rs1312465041, ClinGen allele CA341841438.
Genomic context (GRCh38, chr1:116,387,443, plus strand): 5'-TCGGCAGCTCTTTGGGGGGTTCTCAATGTTACTGTGGATTGGAGCGATTCTTTGTTTCTT[G>C]GCTTATAGCATCCAAGCTGCTACAGAAGAGGAACCTCAAAACGATAATGTGAGTTCTGTA-3'
Protein context (NP_000692.2, residues 103-123): LLWIGAILCF[Leu113Phe]AYSIQAATEE

ClinVar aggregate classification (germline): Uncertain significance. Review status: criteria provided, multiple submitters, no conflicts (2 of 4 stars). 2 submissions from 2 submitters: Uncertain significance (2). Last evaluated 2023-09-22.

Conditions:
Inborn genetic diseases. Identifiers: MedGen C0950123, MeSH D030342.

Allele frequency attached by ClinVar (database versions not stated): gnomAD 0.00001; gnomAD exomes 0.00001; TOPMed 0.00001.
gnomAD v4.1: 10 of 1,613,996 alleles (0.00062%); highest among the groups gnomAD compares: Admixed American, 0.0017%; no homozygotes.

Submissions (2):

Ambry Genetics
Classification: Uncertain significance for Inborn genetic diseases. Last evaluated: 2023-09-22. Review status: criteria provided, single submitter. Criteria: Ambry Variant Classification Scheme 2023. Collection method: clinical testing. Allele origin: germline.

Labcorp Genetics (formerly Invitae), Labcorp
Classification: Uncertain significance. Last evaluated: 2021-12-09. Review status: criteria provided, single submitter. Criteria: Invitae Variant Classification Sherloc (09022015). Collection method: clinical testing. Allele origin: germline.
Comment: In summary, the available evidence is currently insufficient to determine the role of this variant in disease. Therefore, it has been classified as a Variant of Uncertain Significance. Advanced modeling of protein sequence and biophysical properties (such as structural, functional, and spatial information, amino acid conservation, physicochemical variation, residue mobility, and thermodynamic stability) performed at Invitae indicates that this missense variant is not expected to disrupt ATP1A1 protein function. This variant has not been reported in the literature in individuals affected with ATP1A1-related conditions. This variant is present in population databases (no rsID available, gnomAD 0.0009%). This sequence change replaces leucine, which is neutral and non-polar, with phenylalanine, which is neutral and non-polar, at codon 113 of the ATP1A1 protein (p.Leu113Phe).